The following is an entry in ClinVar:

ClinVar aggregate classification (germline): Uncertain significance (1 of 4 stars; one submission).

Conditions:
Familial sleep-related hypermotor epilepsy. Also called: Autosomal Dominant Sleep-Related Hypermotor (Hyperkinetic) Epilepsy. Identifiers: Orphanet 98784, MedGen C3696898, MONDO:0000030.

Submission:

Labcorp Genetics (formerly Invitae), Labcorp
Classification: Uncertain significance. Last evaluated: 2025-08-04. Review status: criteria provided, single submitter. Criteria: Invitae Variant Classification Sherloc (09022015). Collection method: clinical testing. Allele origin: germline.
Comment: This sequence change replaces leucine, which is neutral and non-polar, with arginine, which is basic and polar, at codon 15 of the CHRNA4 protein (p.Leu15Arg). This variant is not present in population databases (gnomAD no frequency). This variant has not been reported in the literature in individuals affected with CHRNA4-related conditions. Experimental studies and prediction algorithms are not available or were not evaluated, and the functional significance of this variant is currently unknown. In summary, the available evidence is currently insufficient to determine the role of this variant in disease. Therefore, it has been classified as a Variant of Uncertain Significance.

NM_000744.7(CHRNA4):c.44T>G (p.Leu15Arg)

Genes: CHRNA4 (cholinergic receptor nicotinic alpha 4 subunit; minus strand), LOC100130587 (uncharacterized LOC100130587; plus strand). Cytogenetic location: 20q13.33.
Variant type: single nucleotide variant.
Coding change: c.44T>G on transcript NM_000744.7 (MANE Select); coding-DNA position 44, T replaced by G.
Protein change: p.Leu15Arg; replaces leucine 15 with arginine.
Molecular consequence: missense variant. On other transcripts: non-coding transcript variant (1), intron variant (1).
Genome position (GRCh38, 1-based): chr20:63,361,122, A>C on the plus strand (T>G on the coding strand, the complement: CHRNA4 is on the minus strand). VCF-style: chr20-63361122-A-C. GRCh37 (hg19) VCF-style: chr20-61992474-A-C.
Other names: c.-471+55T>G (NM_001256573.2); short protein forms L15R.
Identifiers: ClinVar variation 4724777 (VCV004724777.1).